The following is an entry in ClinVar:

NM_139319.3(SLC17A8):c.161C>T (p.Pro54Leu)

Gene: SLC17A8 (solute carrier family 17 member 8; plus strand). Cytogenetic location: 12q23.1.
Variant type: single nucleotide variant.
Coding change: c.161C>T on transcript NM_139319.3 (MANE Select); coding-DNA position 161, C replaced by T.
Protein change: p.Pro54Leu; replaces proline 54 with leucine.
Molecular consequence: missense variant.
Genome position (GRCh38, 1-based): chr12:100,380,760, C>T. VCF-style: chr12-100380760-C-T. GRCh37 (hg19) VCF-style: chr12-100774538-C-T.
Other names: c.161C>T, p.Pro54Leu (NM_001145288.2); c.161C>T (NM_139319.2); short protein forms P54L.
Identifiers: ClinVar variation 1437814 (VCV001437814.7), dbSNP rs372830647, ClinGen allele CA6738678.
Genomic context (GRCh38, chr12:100,380,760, plus strand): 5'-GAAAAATCGATGGGACAACTGAGGAAGAAGATAACATTGAGCTGAATGAAGAAGGAAGGC[C>T]GGTGCAGACGTCCAGGCCAAGCCCCCCACTCTGCGACTGCCACTGCTGCGGCCTCCCCAA-3'
Protein context (NP_647480.1, residues 44-64): DNIELNEEGR[Pro54Leu]VQTSRPSPPL

ClinVar aggregate classification (germline): Uncertain significance. Review status: criteria provided, multiple submitters, no conflicts (2 of 4 stars). 2 submissions from 2 submitters: Uncertain significance (2). Last evaluated 2026-04-27.

Conditions:
SLC17A8-related disorder. Also called: SLC17A8-related condition.

Allele frequency attached by ClinVar (database versions not stated): gnomAD exomes 0.00001 and 0.00002; ExAC 0.00002; TOPMed 0.00005; gnomAD 0.00006; ESP Exome Variant Server 0.00008.
gnomAD v4.1: 42 of 1,613,892 alleles (0.0026%); highest among the groups gnomAD compares: Non-Finnish European, 0.0031%; no homozygotes.

Submissions (2):

PreventionGenetics, part of Exact Sciences
Classification: Uncertain significance for SLC17A8-related condition. Last evaluated: 2026-04-27. Review status: criteria provided, single submitter. Criteria: ACMG Guidelines, 2015. Collection method: clinical testing. Allele origin: germline.
Comment: The SLC17A8 c.161C>T variant is predicted to result in the amino acid substitution p.Pro54Leu. This variant was reported in two individuals with hearing loss (Table S3, Sloan-Heggen et al. 2016. PubMed ID: 26969326; Table S2, Ma et al. 2023. PubMed ID: 36597107). This variant is reported in 0.0046% of alleles in individuals of European (Non-Finnish) descent in gnomAD. Although we suspect that this variant may be pathogenic, at this time, the clinical significance of this variant is uncertain due to the absence of conclusive functional and genetic evidence.

Labcorp Genetics (formerly Invitae), Labcorp
Classification: Uncertain significance. Last evaluated: 2025-02-25. Review status: criteria provided, single submitter. Criteria: Invitae Variant Classification Sherloc (09022015). Collection method: clinical testing. Allele origin: germline.
Comment: This sequence change replaces proline, which is neutral and non-polar, with leucine, which is neutral and non-polar, at codon 54 of the SLC17A8 protein (p.Pro54Leu). This variant is present in population databases (rs372830647, gnomAD 0.005%). This missense change has been observed in individual(s) with autosomal dominant deafness (PMID: 26969326, 36597107). ClinVar contains an entry for this variant (Variation ID: 1437814). An algorithm developed to predict the effect of missense changes on protein structure and function (PolyPhen-2) suggests that this variant is likely to be disruptive. In summary, the available evidence is currently insufficient to determine the role of this variant in disease. Therefore, it has been classified as a Variant of Uncertain Significance.

Literature cited by the submitters: PubMed 26969326 (cited by Labcorp Genetics (formerly Invitae), Labcorp); PubMed 36597107 (cited by Labcorp Genetics (formerly Invitae), Labcorp).